The following is an entry in ClinVar:

ClinVar aggregate classification (germline): Uncertain significance (1 of 4 stars; one submission).

Conditions:
Desmin-related myofibrillar myopathy (MFM1). Also called: Desminopathy; Desmin related myopathy (former name); Desmin storage myopathy (former name); DESMIN-RELATED MYOPATHY WITH ARRHYTHMOGENIC RIGHT VENTRICULAR CARDIOMYOPATHY; MYOFIBRILLAR MYOPATHY WITH ARRHYTHMOGENIC RIGHT VENTRICULAR CARDIOMYOPATHY; Myofibrillar myopathy 1. Identifiers: Orphanet 363543, Orphanet 98909, MedGen C1832370, MONDO:0011076, OMIM 601419.

Submission:

Labcorp Genetics (formerly Invitae), Labcorp
Classification: Uncertain significance for Desmin-related myofibrillar myopathy. Last evaluated: 2021-08-07. Review status: criteria provided, single submitter. Criteria: Invitae Variant Classification Sherloc (09022015). Collection method: clinical testing. Allele origin: germline.
Comment: This sequence change replaces asparagine with aspartic acid at codon 107 of the DES protein (p.Asn107Asp). The asparagine residue is highly conserved and there is a small physicochemical difference between asparagine and aspartic acid. This variant is not present in population databases (ExAC no frequency). This variant has not been reported in the literature in individuals affected with DES-related conditions. Algorithms developed to predict the effect of missense changes on protein structure and function are either unavailable or do not agree on the potential impact of this missense change (SIFT: "Tolerated"; PolyPhen-2: "Possibly Damaging"; Align-GVGD: "Class C0"). In summary, the available evidence is currently insufficient to determine the role of this variant in disease. Therefore, it has been classified as a Variant of Uncertain Significance.

NM_001927.4(DES):c.319A>G (p.Asn107Asp)

Gene: DES (desmin; plus strand). Cytogenetic location: 2q35.
Variant type: single nucleotide variant.
Coding change: c.319A>G on transcript NM_001927.4 (MANE Select); coding-DNA position 319, A replaced by G.
Protein change: p.Asn107Asp; replaces asparagine 107 with aspartic acid.
Molecular consequence: missense variant.
Genome position (GRCh38, 1-based): chr2:219,418,781, A>G. VCF-style: chr2-219418781-A-G. GRCh37 (hg19) VCF-style: chr2-220283503-A-G.
Other names: c.319A>G, p.Asn107Asp (NM_001382708.1, NM_001382709.1, NM_001382710.1 and 3 more transcripts); short protein forms N107D.
Identifiers: ClinVar variation 1471240 (VCV001471240.6), dbSNP rs2125166213, ClinGen allele CA350685194.